The following is an entry in ClinVar:

NM_031885.5(BBS2):c.725A>G (p.Asn242Ser)

Gene: BBS2 (Bardet-Biedl syndrome 2; minus strand). Cytogenetic location: 16q13.
Variant type: single nucleotide variant.
Coding change: c.725A>G on transcript NM_031885.5 (MANE Select); coding-DNA position 725, A replaced by G.
Protein change: p.Asn242Ser; replaces asparagine 242 with serine.
Molecular consequence: missense variant. On other transcripts: non-coding transcript variant (5).
Genome position (GRCh38, 1-based): chr16:56,506,029, T>C on the plus strand (A>G on the coding strand, the complement: BBS2 is on the minus strand). VCF-style: chr16-56506029-T-C. GRCh37 (hg19) VCF-style: chr16-56539941-T-C.
Other names: c.725A>G, p.Asn242Ser (NM_001377456.1); short protein forms N242S.
Identifiers: ClinVar variation 887243 (VCV000887243.17), dbSNP rs199898889, ClinGen allele CA8065938.

ClinVar aggregate classification (germline): Uncertain significance. Review status: criteria provided, multiple submitters, no conflicts (2 of 4 stars). 8 submissions from 8 submitters: Uncertain significance (6). 2 of the submissions do not count toward it. Last evaluated 2024-09-24.

Conditions:
Bardet-Biedl syndrome (BBS). Identifiers: Orphanet 110, MedGen C0752166, MONDO:0015229.
Bardet-Biedl syndrome 2 (BBS2). Identifiers: Orphanet 110, MedGen C2936863, MONDO:0014432, OMIM 615981.
Retinitis pigmentosa 74 (RP74). Identifiers: Orphanet 791, MedGen C4225281, MONDO:0014692, OMIM 616562.
Inborn genetic diseases. Identifiers: MedGen C0950123, MeSH D030342.
BBS2-related disorder. Also called: BBS2-related condition; BBS2-related disorders. Identifiers: MedGen CN239228.

Allele frequency attached by ClinVar (database versions not stated): ExAC 0.00006; gnomAD exomes 0.00011 and 0.00034; ESP Exome Variant Server 0.00015; gnomAD 0.00019; TOPMed 0.00020.
gnomAD v4.1: 566 of 1,613,770 alleles (0.035%); highest among the groups gnomAD compares: Non-Finnish European, 0.042%; no homozygotes.

Submissions (8):

Blueprint Genetics
Classification: Uncertain significance. Last evaluated: 2024-09-24. Review status: criteria provided, single submitter. Criteria: ACMG Guidelines, 2015. Collection method: clinical testing. Allele origin: germline.

Labcorp Genetics (formerly Invitae), Labcorp
Classification: Uncertain significance for Bardet-Biedl syndrome. Last evaluated: 2022-10-17. Review status: criteria provided, single submitter. Criteria: Invitae Variant Classification Sherloc (09022015). Collection method: clinical testing. Allele origin: germline.
Comment: This sequence change replaces asparagine, which is neutral and polar, with serine, which is neutral and polar, at codon 242 of the BBS2 protein (p.Asn242Ser). This variant is present in population databases (rs199898889, gnomAD 0.02%). This variant has not been reported in the literature in individuals affected with BBS2-related conditions. ClinVar contains an entry for this variant (Variation ID: 887243). Advanced modeling of protein sequence and biophysical properties (such as structural, functional, and spatial information, amino acid conservation, physicochemical variation, residue mobility, and thermodynamic stability) performed at Invitae indicates that this missense variant is not expected to disrupt BBS2 protein function. In summary, the available evidence is currently insufficient to determine the role of this variant in disease. Therefore, it has been classified as a Variant of Uncertain Significance.

Fulgent Genetics
Classification: Uncertain significance for Bardet-Biedl syndrome 2; Retinitis pigmentosa 74. Last evaluated: 2022-03-19. Review status: criteria provided, single submitter. Criteria: ACMG Guidelines, 2015. Collection method: clinical testing. Allele origin: unknown.

Ambry Genetics
Classification: Uncertain significance for Inborn genetic diseases. Last evaluated: 2021-08-13. Review status: criteria provided, single submitter. Criteria: Ambry Variant Classification Scheme 2023. Collection method: clinical testing. Allele origin: germline.

Illumina Laboratory Services, Illumina
Classification: Uncertain significance for Bardet-Biedl syndrome 2. Last evaluated: 2018-03-30. Review status: criteria provided, single submitter. Criteria: ICSL Variant Classification Criteria 13 December 2019. Collection method: clinical testing. Allele origin: germline.

Breakthrough Genomics
Classification: Uncertain significance. Review status: criteria provided, single submitter. Criteria: ACMG Guidelines, 2015. Collection method: not provided. Allele origin: germline. Inheritance: Autosomal recessive inheritance. Affected: yes.

PreventionGenetics, part of Exact Sciences
Classification: Uncertain significance for BBS2-related condition. Last evaluated: 2024-08-12. Review status: no assertion criteria provided. Collection method: clinical testing. Allele origin: germline. Not counted in ClinVar's aggregate classification.
Comment: The BBS2 c.725A>G variant is predicted to result in the amino acid substitution p.Asn242Ser. To our knowledge, this variant has not been reported in the literature. This variant is reported in 0.021% of alleles in individuals of European (Non-Finnish) descent in gnomAD. At this time, the clinical significance of this variant is uncertain due to the absence of conclusive functional and genetic evidence.

Natera, Inc.
Classification: Uncertain significance for Bardet-Biedl syndrome type 2. Last evaluated: 2020-02-13. Review status: no assertion criteria provided. Collection method: clinical testing. Allele origin: germline. Not counted in ClinVar's aggregate classification.